The following is an entry in ClinVar:

ClinVar aggregate classification (germline): Uncertain significance (1 of 4 stars; one submission).

Conditions:
Houge-Janssens syndrome 2. Also called: PPP2R1A-Related Neurodevelopmental Disorder; Microcephaly-corpus callosum hypoplasia-intellectual disability-facial dysmorphism syndrome; INTELLECTUAL DEVELOPMENTAL DISORDER, AUTOSOMAL DOMINANT 36. Identifiers: Orphanet 457284, MedGen C4225352, MONDO:0014605, OMIM 616362.

Submission:

Institute of Human Genetics, University of Leipzig Medical Center
Classification: Uncertain significance for Houge-Janssens syndrome 2. Last evaluated: 2022-08-16. Review status: criteria provided, single submitter. Criteria: ACMG Guidelines, 2015. Collection method: clinical testing. Allele origin: paternal. Affected: yes.
Comment: _x000D_ Criteria applied: PM2_SUP, PP2, BS2

NM_014225.6(PPP2R1A):c.475T>G (p.Ser159Ala)

Gene: PPP2R1A (protein phosphatase 2 scaffold subunit Aalpha; plus strand). Cytogenetic location: 19q13.41.
Variant type: single nucleotide variant.
Coding change: c.475T>G on transcript NM_014225.6 (MANE Select); coding-DNA position 475, T replaced by G.
Protein change: p.Ser159Ala; replaces serine 159 with alanine.
Molecular consequence: missense variant. On other transcripts: 5 prime UTR variant (1), non-coding transcript variant (1).
Genome position (GRCh38, 1-based): chr19:52,211,464, T>G. VCF-style: chr19-52211464-T-G. GRCh37 (hg19) VCF-style: chr19-52714717-T-G.
Other names: c.-63T>G (NM_001363656.2); short protein forms S159A.
Identifiers: ClinVar variation 1679150 (VCV001679150.2), dbSNP rs2122330275, ClinGen allele CA407182993.